The following is an entry in ClinVar:

ClinVar aggregate classification (germline): Uncertain significance. Review status: criteria provided, multiple submitters, no conflicts (2 of 4 stars). 2 submissions from 2 submitters: Uncertain significance (2). Last evaluated 2024-11-03.

Conditions:
Inborn genetic diseases. Identifiers: MedGen C0950123, MeSH D030342.

Allele frequency attached by ClinVar (database versions not stated): TOPMed below 0.00001; gnomAD exomes 0.00001.
gnomAD v4.1: 8 of 1,613,940 alleles (0.0005%); highest among the groups gnomAD compares: Non-Finnish European, 0.00068%; no homozygotes.

Submissions (2):

Labcorp Genetics (formerly Invitae), Labcorp
Classification: Uncertain significance. Last evaluated: 2024-11-03. Review status: criteria provided, single submitter. Criteria: Invitae Variant Classification Sherloc (09022015). Collection method: clinical testing. Allele origin: germline.
Comment: This sequence change replaces isoleucine, which is neutral and non-polar, with leucine, which is neutral and non-polar, at codon 2333 of the HIVEP2 protein (p.Ile2333Leu). This variant is not present in population databases (gnomAD no frequency). This variant has not been reported in the literature in individuals affected with HIVEP2-related conditions. ClinVar contains an entry for this variant (Variation ID: 3106063). An algorithm developed to predict the effect of missense changes on protein structure and function (PolyPhen-2) suggests that this variant is likely to be disruptive. In summary, the available evidence is currently insufficient to determine the role of this variant in disease. Therefore, it has been classified as a Variant of Uncertain Significance.

Ambry Genetics
Classification: Uncertain significance for Inborn genetic diseases. Last evaluated: 2023-12-07. Review status: criteria provided, single submitter. Criteria: Ambry Variant Classification Scheme 2023. Collection method: clinical testing. Allele origin: germline.

NM_006734.4(HIVEP2):c.6997A>C (p.Ile2333Leu)

Gene: HIVEP2 (HIVEP zinc finger 2; minus strand). Cytogenetic location: 6q24.2.
Variant type: single nucleotide variant.
Coding change: c.6997A>C on transcript NM_006734.4 (MANE Select); coding-DNA position 6997, A replaced by C.
Protein change: p.Ile2333Leu; replaces isoleucine 2333 with leucine.
Molecular consequence: missense variant.
Genome position (GRCh38, 1-based): chr6:142,753,451, T>G on the plus strand (A>C on the coding strand, the complement: HIVEP2 is on the minus strand). VCF-style: chr6-142753451-T-G. GRCh37 (hg19) VCF-style: chr6-143074588-T-G.
Other names: short protein forms I2333L.
Identifiers: ClinVar variation 3106063 (VCV003106063.3), dbSNP rs1283228826, ClinGen allele CA365941278.
Genomic context (GRCh38, chr6:142,753,451, plus strand): 5'-GCGCTGGCTGATCTGGCCCGAGCAGAGCTGCCTCTTCCGTGGCAATCCGGAGAGAGGCAA[T>G]GGCTTTTGTACAAGTCTGTATATTTTCCTCCTGTTCCCGCTCTGTTGCGTTTAGGCTGTC-3'
Protein context (NP_006725.3, residues 2323-2343): EENIQTCTKA[Ile2333Leu]ASLRIATEEA